The following is an entry in ClinVar:

NM_006329.4(FBLN5):c.739+14G>A

Gene: FBLN5 (fibulin 5; minus strand). Cytogenetic location: 14q32.12.
Variant type: single nucleotide variant.
Coding change: c.739+14G>A on transcript NM_006329.4 (MANE Select); 14 bases into the intron after coding-DNA position 739, G replaced by A.
Molecular consequence: intron variant.
Genome position (GRCh38, 1-based): chr14:91,887,179, C>T on the plus strand (G>A on the coding strand, the complement: FBLN5 is on the minus strand). VCF-style: chr14-91887179-C-T. GRCh37 (hg19) VCF-style: chr14-92353523-C-T.
Other names: c.739+14G>A (NM_001384160.1); c.862+14G>A (NM_001384158.1); c.571+14G>A (NM_001384162.1, NM_001384161.1); c.790+14G>A (NM_001384159.1).
Identifiers: ClinVar variation 930569 (VCV000930569.7), dbSNP rs1390709680, ClinGen allele CA615754118.

ClinVar aggregate classification (germline): Conflicting classifications of pathogenicity. Review status: criteria provided, conflicting classifications (1 of 4 stars). 2 submissions from 2 submitters: Uncertain significance (1); Likely benign (1). Last evaluated 2025-08-06.

Conditions:
Cutis laxa, autosomal dominant 2 (ADCL2). Identifiers: Orphanet 90348, MedGen C3280794, MONDO:0013751, OMIM 614434.

Allele frequency attached by ClinVar (database versions not stated): gnomAD exomes 0.00001; TOPMed 0.00001; gnomAD 0.00002 and 0.00003.
gnomAD v4.1: 14 of 1,613,742 alleles (0.00087%); highest among the groups gnomAD compares: East Asian, 0.0045%; no homozygotes.

Submissions (2):

Labcorp Genetics (formerly Invitae), Labcorp
Classification: Likely benign. Last evaluated: 2025-08-06. Review status: criteria provided, single submitter. Criteria: Invitae Variant Classification Sherloc (09022015). Collection method: clinical testing. Allele origin: germline.

Centre for Mendelian Genomics, University Medical Centre Ljubljana
Classification: Uncertain significance for Cutis laxa, autosomal dominant 2. Last evaluated: 2019-08-27. Review status: criteria provided, single submitter. Criteria: ACMG Guidelines, 2015. Collection method: clinical testing. Allele origin: unknown. Affected: yes.
Comment: This variant was classified as: Uncertain significance. The available evidence on this variant's pathogenicity is insufficient or conflicting. The following ACMG criteria were applied in classifying this variant: BP4.